The following is an entry in ClinVar:

ClinVar aggregate classification (germline): Benign (1 of 4 stars; one submission).

Conditions:
Hereditary factor XI deficiency disease. Also called: PLASMA THROMBOPLASTIN ANTECEDENT DEFICIENCY; PTA DEFICIENCY; ROSENTHAL SYNDROME; Congenital factor XI deficiency. Identifiers: Orphanet 329, MedGen C0015523, MeSH D005173, MONDO:0012897, OMIM 612416.

Allele frequency attached by ClinVar (database versions not stated): gnomAD 0.00004 and 0.00009; TOPMed 0.00006; 1000 Genomes Project 30x 0.00094; 1000 Genomes Project 0.00100.

Submission:

Illumina Laboratory Services, Illumina
Classification: Benign for Hereditary factor XI deficiency disease. Last evaluated: 2017-04-27. Review status: criteria provided, single submitter. Criteria: ICSL Variant Classification Criteria 13 December 2019. Collection method: clinical testing. Allele origin: germline.
Comment: This variant was observed as part of a predisposition screen in an ostensibly healthy population. A literature search was performed for the gene, cDNA change, and amino acid change (where applicable). No publications were found based on this search. Allele frequency data from public databases was too high to be consistent with this variant causing disease. Therefore, this variant is classified as benign.

NM_000128.4(F11):c.*186C>T

Genes: F11 (coagulation factor XI; plus strand), F11-AS1 (F11 antisense RNA 1; minus strand). Cytogenetic location: 4q35.2.
Variant type: single nucleotide variant.
Coding change: c.*186C>T on transcript NM_000128.4 (MANE Select); 186 bases downstream of the stop codon, C replaced by T.
Molecular consequence: 3 prime UTR variant. On other transcripts: non-coding transcript variant (1).
Genome position (GRCh38, 1-based): chr4:186,288,800, C>T. VCF-style: chr4-186288800-C-T. GRCh37 (hg19) VCF-style: chr4-187209954-C-T.
Identifiers: ClinVar variation 901160 (VCV000901160.4), dbSNP rs142128633, ClinGen allele CA112106506.